The following is an entry in ClinVar:

ClinVar aggregate classification (germline): Conflicting classifications of pathogenicity. Review status: criteria provided, conflicting classifications (1 of 4 stars). 5 submissions from 5 submitters: Uncertain significance (1); Likely benign (3). 1 of the submissions does not count toward it. Last evaluated 2025-11-03.

Conditions:
ABCA1-related disorder. Also called: ABCA1-related condition; ABCA1-related disorders. Identifiers: MedGen CN239173.
Cardiovascular phenotype. Identifiers: MedGen CN230736.

Allele frequency attached by ClinVar (database versions not stated): gnomAD 0.00025 and 0.00026; gnomAD exomes 0.00029 and 0.00009; ExAC 0.00007; ESP Exome Variant Server 0.00015; TOPMed 0.00017.
gnomAD v4.1: 470 of 1,614,008 alleles (0.029%); highest among the groups gnomAD compares: Non-Finnish European, 0.036%; 1 homozygote.

Submissions (5):

Labcorp Genetics (formerly Invitae), Labcorp
Classification: Likely benign. Last evaluated: 2025-11-03. Review status: criteria provided, single submitter. Criteria: Invitae Variant Classification Sherloc (09022015). Collection method: clinical testing. Allele origin: germline.

Mayo Clinic Laboratories, Mayo Clinic
Classification: Likely benign. Last evaluated: 2025-09-07. Review status: criteria provided, single submitter. Criteria: ACMG Guidelines, 2015. Collection method: clinical testing. Allele origin: germline. Observed: 2 variant alleles.
Comment: BP4, BP7

Women's Health and Genetics/Laboratory Corporation of America, LabCorp
Classification: Likely benign. Last evaluated: 2025-05-15. Review status: criteria provided, single submitter. Criteria: LabCorp Variant Classification Summary - May 2015. Collection method: clinical testing. Allele origin: germline.

Ambry Genetics
Classification: Uncertain significance for Cardiovascular phenotype. Last evaluated: 2024-11-18. Review status: criteria provided, single submitter. Criteria: Ambry Variant Classification Scheme 2023. Collection method: clinical testing. Allele origin: germline.
Comment: The c.2088C>T variant (also known as p.S696S), located in coding exon 14 of the ABCA1 gene, results from a C to T substitution at nucleotide position 2088. This nucleotide substitution does not change the serine at codon 696. This nucleotide position is not well conserved in available vertebrate species. In silico splice site analysis for this alteration is inconclusive. Based on the available evidence, the clinical significance of this variant remains unclear.

PreventionGenetics, part of Exact Sciences
Classification: Likely benign for ABCA1-related condition. Last evaluated: 2024-05-01. Review status: no assertion criteria provided. Collection method: clinical testing. Allele origin: germline. Not counted in ClinVar's aggregate classification.
Comment: This variant is classified as likely benign based on ACMG/AMP sequence variant interpretation guidelines (Richards et al. 2015 PMID: 25741868, with internal and published modifications).

NM_005502.4(ABCA1):c.2088C>T (p.Ser696=)

Gene: ABCA1 (ATP binding cassette subfamily A member 1; minus strand). Cytogenetic location: 9q31.1.
Variant type: single nucleotide variant.
Coding change: c.2088C>T on transcript NM_005502.4 (MANE Select); coding-DNA position 2088, C replaced by T.
Protein change: p.Ser696=; no amino-acid change (serine 696 retained).
Molecular consequence: synonymous variant.
Genome position (GRCh38, 1-based): chr9:104,828,943, G>A on the plus strand (C>T on the coding strand, the complement: ABCA1 is on the minus strand). VCF-style: chr9-104828943-G-A. GRCh37 (hg19) VCF-style: chr9-107591224-G-A.
Other names: p.Ser696=; c.2088C>T (NM_005502.3).
Identifiers: ClinVar variation 1665802 (VCV001665802.12), dbSNP rs199980051, ClinGen allele CA5168830.
Genomic context (GRCh38, chr9:104,828,943, plus strand): 5'-CCTGGCAGGGAAGAGCGAGTGAGGCTGCCTTACCTTCAGGATGACCACTAGCAGGCCAGC[G>A]CTCACAAGAAGAGGAATGAGGCTACTAATGAACCAGCTAAACCAGAGGATGCTGTTGTCC-3'
Protein context (NP_005493.2, residues 686-706): FISSLIPLLV[Ser696=]AGLLVVILKL